The following is an entry in ClinVar:

NM_002485.5(NBN):c.897-42G>C

Gene: NBN (nibrin; minus strand). Cytogenetic location: 8q21.3.
Variant type: single nucleotide variant.
Coding change: c.897-42G>C on transcript NM_002485.5 (MANE Select); 42 bases into the intron before coding-DNA position 897, G replaced by C.
Molecular consequence: intron variant.
Genome position (GRCh38, 1-based): chr8:89,964,549, C>G on the plus strand (G>C on the coding strand, the complement: NBN is on the minus strand). VCF-style: chr8-89964549-C-G. GRCh37 (hg19) VCF-style: chr8-90976777-C-G.
Other names: c.651-42G>C (NM_001024688.3).
Identifiers: ClinVar variation 670315 (VCV000670315.3), dbSNP rs141172426, ClinGen allele CA4802859.
Genomic context (GRCh38, chr8:89,964,549, plus strand): 5'-AATAGGTCTAAGACCTTGCCTATTAGAATAAAATAGTTTAAGTATGATAATATATTAAAA[C>G]TAGCAACTTTTATTCAGATAATGTCAAGATAAAGCAACCTCTTTTTTTTCCTCCCAAATA-3'

ClinVar aggregate classification (germline): Likely benign. Review status: criteria provided, multiple submitters, no conflicts (2 of 4 stars). 3 submissions from 3 submitters: Likely benign (3). Last evaluated 2022-04-19.

Conditions:
Hereditary breast ovarian cancer syndrome. Also called: BRCA1- and BRCA2-Associated Hereditary Breast and Ovarian Cancer; Hereditary breast and/or ovarian cancer syndrome; Hereditary breast and ovarian cancer syndrome (HBOC); Breast and ovarian cancer; Hereditary breast and ovarian cancer; Hereditary breast and ovarian cancer syndrome. Identifiers: Orphanet 145, MedGen C0677776, MeSH D061325, MONDO:0003582. Disease mechanism: loss of function.

Allele frequency attached by ClinVar (database versions not stated): 1000 Genomes Project 0.00379; 1000 Genomes Project 30x 0.00422; gnomAD 0.00725 and 0.00750; TOPMed 0.00748; ExAC 0.00769; ESP Exome Variant Server 0.00785; gnomAD exomes 0.00787.

Submissions (3):

National Health Laboratory Service, Universitas Academic Hospital and University of the Free State
Classification: Likely benign for Hereditary breast ovarian cancer syndrome. Last evaluated: 2022-04-19. Review status: criteria provided, single submitter. Criteria: ACMG Guidelines, 2015. Collection method: clinical testing. Allele origin: germline. Affected: yes. Observed: 1 variant allele.

GeneDx
Classification: Likely benign. Last evaluated: 2018-06-18. Review status: criteria provided, single submitter. Criteria: GeneDx Variant Classification (06012015). Collection method: clinical testing. Allele origin: germline. Affected: yes.
Comment: This variant is considered likely benign or benign based on one or more of the following criteria: it is a conservative change, it occurs at a poorly conserved position in the protein, it is predicted to be benign by multiple in silico algorithms, and/or has population frequency not consistent with disease.

Breakthrough Genomics
Classification: Likely benign. Review status: criteria provided, single submitter. Criteria: ACMG Guidelines, 2015. Collection method: not provided. Allele origin: germline. Inheritance: Autosomal recessive inheritance. Affected: yes.